The following is an entry in ClinVar:

NM_004928.3(CFAP410):c.719dup (p.Ser241fs)

Gene: CFAP410 (cilia and flagella associated protein 410; minus strand). Cytogenetic location: 21q22.3.
Variant type: Duplication.
Coding change: c.719dup on transcript NM_004928.3 (MANE Select); coding-DNA position 719, one base duplicated (G; older notation c.719dupG).
Protein change: p.Ser241fs; shifts the reading frame from serine 241.
Molecular consequence: frameshift variant.
Genome position (GRCh38, 1-based): chr21:44,330,250, C duplicated on the plus strand (G on the coding strand, the reverse complement: CFAP410 is on the minus strand); the first of 3 consecutive C bases (chr21:44,330,250-44,330,252); duplicating any one gives the same sequence. VCF-style (leftmost placement, unchanged base first): chr21-44330249-G-GC. GRCh37 (hg19) VCF-style: chr21-45750132-G-GC.
Other names: c.716dup, p.Ser240fs (NM_001271440.2); c.1076dup, p.Ser360fs (NM_001271441.2); c.593dup, p.Ser199fs (NM_001271442.1); short protein forms S199fs, S240fs, S241fs, S360fs.
Identifiers: ClinVar variation 1351094 (VCV001351094.4), dbSNP rs1292527635, ClinGen allele CA638494293.

ClinVar aggregate classification (germline): Uncertain significance (1 of 4 stars; one submission).

Submission:

Labcorp Genetics (formerly Invitae), Labcorp
Classification: Uncertain significance. Last evaluated: 2022-06-15. Review status: criteria provided, single submitter. Criteria: Invitae Variant Classification Sherloc (09022015). Collection method: clinical testing. Allele origin: germline.
Comment: This sequence change results in a frameshift in the CFAP410 gene (p.Ser241Glnfs*69). While this is not anticipated to result in nonsense mediated decay, it is expected to disrupt the last 16 amino acid(s) of the CFAP410 protein and extend the protein by 52 additional amino acid residues. This variant is present in population databases (no rsID available, gnomAD 0.01%). In summary, the available evidence is currently insufficient to determine the role of this variant in disease. Therefore, it has been classified as a Variant of Uncertain Significance. Experimental studies and prediction algorithms are not available or were not evaluated, and the functional significance of this variant is currently unknown. This variant has not been reported in the literature in individuals affected with CFAP410-related conditions.